The following is an entry in ClinVar:

NM_003079.5(SMARCE1):c.869C>T (p.Ala290Val)

Gene: SMARCE1 (SWI/SNF related BAF chromatin remodeling complex subunit E1; minus strand). Cytogenetic location: 17q21.2.
Variant type: single nucleotide variant.
Coding change: c.869C>T on transcript NM_003079.5 (MANE Select); coding-DNA position 869, C replaced by T.
Protein change: p.Ala290Val; replaces alanine 290 with valine.
Molecular consequence: missense variant.
Genome position (GRCh38, 1-based): chr17:40,630,872, G>A on the plus strand (C>T on the coding strand, the complement: SMARCE1 is on the minus strand). VCF-style: chr17-40630872-G-A. GRCh37 (hg19) VCF-style: chr17-38787124-G-A.
Other names: short protein forms A290V.
Identifiers: ClinVar variation 822667 (VCV000822667.48), dbSNP rs758923998, ClinGen allele CA8545146.

ClinVar aggregate classification (germline): Conflicting classifications of pathogenicity. Review status: criteria provided, conflicting classifications (1 of 4 stars). 3 submissions from 3 submitters: Uncertain significance (2); Likely benign (1). Last evaluated 2025-07-09.

Conditions:
Hereditary cancer-predisposing syndrome. Also called: Tumor predisposition; Hereditary neoplastic syndrome; Neoplastic Syndromes, Hereditary; Hereditary Cancer Syndrome. Identifiers: Orphanet 140162, MedGen C0027672, MeSH D009386, MONDO:0015356.
Familial meningioma. Also called: Meningioma, familial, susceptibility to. Identifiers: Orphanet 263662, MedGen C3551915, MONDO:0011789, OMIM 607174.

Allele frequency attached by ClinVar (database versions not stated): gnomAD exomes below 0.00001; ExAC 0.00001.
gnomAD v4.1: 2 of 1,613,762 alleles (0.00012%); highest among the groups gnomAD compares: Non-Finnish European, 0.00017%; no homozygotes.

Submissions (3):

Labcorp Genetics (formerly Invitae), Labcorp
Classification: Uncertain significance for Familial meningioma. Last evaluated: 2025-07-09. Review status: criteria provided, single submitter. Criteria: Invitae Variant Classification Sherloc (09022015). Collection method: clinical testing. Allele origin: germline.
Comment: This sequence change replaces alanine, which is neutral and non-polar, with valine, which is neutral and non-polar, at codon 290 of the SMARCE1 protein (p.Ala290Val). This variant is present in population databases (rs758923998, gnomAD 0.0009%). This variant has not been reported in the literature in individuals affected with SMARCE1-related conditions. ClinVar contains an entry for this variant (Variation ID: 822667). Invitae Evidence Modeling of protein sequence and biophysical properties (such as structural, functional, and spatial information, amino acid conservation, physicochemical variation, residue mobility, and thermodynamic stability) indicates that this missense variant is not expected to disrupt SMARCE1 protein function with a negative predictive value of 80%. In summary, the available evidence is currently insufficient to determine the role of this variant in disease. Therefore, it has been classified as a Variant of Uncertain Significance.

Ambry Genetics
Classification: Likely benign for Hereditary cancer-predisposing syndrome. Last evaluated: 2023-03-22. Review status: criteria provided, single submitter. Criteria: Ambry Variant Classification Scheme 2023. Collection method: clinical testing. Allele origin: germline.

CeGaT Center for Human Genetics Tuebingen
Classification: Uncertain significance. Last evaluated: 2021-08-01. Review status: criteria provided, single submitter. Criteria: CeGaT Center For Human Genetics Tuebingen Variant Classification Criteria Version 2. Collection method: clinical testing. Allele origin: germline. Affected: yes. Observed: 1 variant allele.